The following is an entry in ClinVar:

NM_139058.3(ARX):c.1261C>A (p.Pro421Thr)

Gene: ARX (aristaless related homeobox; minus strand). Cytogenetic location: Xp21.3.
Variant type: single nucleotide variant.
Coding change: c.1261C>A on transcript NM_139058.3 (MANE Select); coding-DNA position 1261, C replaced by A.
Protein change: p.Pro421Thr; replaces proline 421 with threonine.
Molecular consequence: missense variant.
Genome position (GRCh38, 1-based): chrX:25,007,298, G>T on the plus strand (C>A on the coding strand, the complement: ARX is on the minus strand). VCF-style: chrX-25007298-G-T. GRCh37 (hg19) VCF-style: chrX-25025415-G-T.
Other names: short protein forms P421T.
Identifiers: ClinVar variation 590233 (VCV000590233.3), dbSNP rs1417254985, ClinGen allele CA412611385.

ClinVar aggregate classification (germline): Uncertain significance (1 of 4 stars; one submission).

Conditions:
History of neurodevelopmental disorder. Identifiers: MedGen C2711754.

gnomAD v4.1: 1 of 1,124,760 alleles (0.000089%); no homozygotes.

Submission:

Ambry Genetics
Classification: Uncertain significance for History of neurodevelopmental disorder. Last evaluated: 2012-08-29. Review status: criteria provided, single submitter. Criteria: Ambry Autosomal Dominant and X-Linked criteria (10/2015). Collection method: clinical testing. Allele origin: germline. Observed: 1 variant allele.
Comment: There is insufficient or conflicting evidence for classification of this alteration.